The following is an entry in ClinVar:

ClinVar aggregate classification (germline): Uncertain significance. Review status: criteria provided, multiple submitters, no conflicts (2 of 4 stars). 2 submissions from 2 submitters: Uncertain significance (2). Last evaluated 2026-04-19.

Conditions:
Inborn genetic diseases. Identifiers: MedGen C0950123, MeSH D030342.
Baller-Gerold syndrome (BGS). Also called: CRANIOSYNOSTOSIS WITH RADIAL DEFECTS. Identifiers: Orphanet 1225, MedGen C0265308, MONDO:0009039, OMIM 218600.

gnomAD v4.1: 1 of 1,607,820 alleles (0.000062%); highest among the groups gnomAD compares: Non-Finnish European, 0.000085%; no homozygotes.

Submissions (2):

Ambry Genetics
Classification: Uncertain significance for Inborn genetic diseases. Last evaluated: 2026-04-19. Review status: criteria provided, single submitter. Criteria: Ambry Variant Classification Scheme 2023. Collection method: clinical testing. Allele origin: germline.
Comment: The p.M578R variant (also known as c.1733T>G), located in coding exon 11 of the RECQL4 gene, results from a T to G substitution at nucleotide position 1733. The methionine at codon 578 is replaced by arginine, an amino acid with similar properties. This amino acid position is conserved. In addition, this alteration is predicted to be deleterious by in silico analysis. Based on the available evidence, the clinical significance of this variant remains unclear.

Labcorp Genetics (formerly Invitae), Labcorp
Classification: Uncertain significance for Baller-Gerold syndrome. Last evaluated: 2025-04-28. Review status: criteria provided, single submitter. Criteria: Invitae Variant Classification Sherloc (09022015). Collection method: clinical testing. Allele origin: germline.
Comment: This sequence change replaces methionine, which is neutral and non-polar, with arginine, which is basic and polar, at codon 578 of the RECQL4 protein (p.Met578Arg). This variant is not present in population databases (gnomAD no frequency). This variant has not been reported in the literature in individuals affected with RECQL4-related conditions. ClinVar contains an entry for this variant (Variation ID: 2183088). Invitae Evidence Modeling of protein sequence and biophysical properties (such as structural, functional, and spatial information, amino acid conservation, physicochemical variation, residue mobility, and thermodynamic stability) has been performed for this missense variant. However, the output from this modeling did not meet the statistical confidence thresholds required to predict the impact of this variant on RECQL4 protein function. In summary, the available evidence is currently insufficient to determine the role of this variant in disease. Therefore, it has been classified as a Variant of Uncertain Significance.

NM_004260.4(RECQL4):c.1733T>G (p.Met578Arg)

Gene: RECQL4 (RecQ like helicase 4; minus strand). Cytogenetic location: 8q24.3.
Variant type: single nucleotide variant.
Coding change: c.1733T>G on transcript NM_004260.4 (MANE Select); coding-DNA position 1733, T replaced by G.
Protein change: p.Met578Arg; replaces methionine 578 with arginine.
Molecular consequence: missense variant.
Genome position (GRCh38, 1-based): chr8:144,514,334, A>C on the plus strand (T>G on the coding strand, the complement: RECQL4 is on the minus strand). VCF-style: chr8-144514334-A-C. GRCh37 (hg19) VCF-style: chr8-145739718-A-C.
Other names: c.1382T>G, p.Met461Arg (NM_001413029.1); c.596T>G, p.Met199Arg (NM_001413030.1, NM_001413032.1, NM_001413041.1 and 1 more transcripts); c.662T>G, p.Met221Arg (NM_001413034.1, NM_001413035.1, NM_001413038.1 and 6 more transcripts); c.1733T>G, p.Met578Arg (NM_001413036.1, NM_001413018.1, NM_001413019.1); c.1703T>G, p.Met568Arg (NM_001413039.1); c.1733T>G (NM_004260.3); c.1637T>G, p.Met546Arg (NM_001413017.1, NM_001413020.1); c.1604T>G, p.Met535Arg (NM_001413025.1); and 2 more; short protein forms M461R, M211R, M221R, M535R, M546R, M199R, M568R, M578R.
Identifiers: ClinVar variation 2183088 (VCV002183088.5), dbSNP rs1293785230, ClinGen allele CA372681187.